The following is an entry in ClinVar:

ClinVar aggregate classification (germline): Uncertain significance (1 of 4 stars; one submission).

Allele frequency attached by ClinVar (database versions not stated): gnomAD exomes below 0.00001.

Submission:

Greenwood Genetic Center Diagnostic Laboratories, Greenwood Genetic Center
Classification: Uncertain significance. Last evaluated: 2024-03-05. Review status: criteria provided, single submitter. Criteria: ACMG Guidelines, 2015. Collection method: clinical testing. Allele origin: germline. Affected: yes.
Comment: PM2

NM_001318510.2(ACSL4):c.430G>A (p.Gly144Ser)

Gene: ACSL4 (acyl-CoA synthetase long chain family member 4; minus strand). Cytogenetic location: Xq23.
Variant type: single nucleotide variant.
Coding change: c.430G>A on transcript NM_001318510.2 (MANE Select); coding-DNA position 430, G replaced by A.
Protein change: p.Gly144Ser; replaces glycine 144 with serine.
Molecular consequence: missense variant.
Genome position (GRCh38, 1-based): chrX:109,681,352, C>T on the plus strand (G>A on the coding strand, the complement: ACSL4 is on the minus strand). VCF-style: chrX-109681352-C-T. GRCh37 (hg19) VCF-style: chrX-108924581-C-T.
Other names: c.553G>A, p.Gly185Ser (NM_001318509.2, NM_022977.3); c.430G>A, p.Gly144Ser (NM_004458.3); short protein forms G144S, G185S.
Identifiers: ClinVar variation 3235779 (VCV003235779.1), dbSNP rs2521214825, ClinGen allele CA414218357.